The following is an entry in ClinVar:

ClinVar aggregate classification (germline): Uncertain significance. Review status: criteria provided, multiple submitters, no conflicts (2 of 4 stars). 2 submissions from 2 submitters: Uncertain significance (2). Last evaluated 2025-08-04.

Conditions:
Hereditary cancer-predisposing syndrome. Also called: Hereditary neoplastic syndrome; Tumor predisposition; Neoplastic Syndromes, Hereditary; Hereditary Cancer Syndrome. Identifiers: Orphanet 140162, MedGen C0027672, MeSH D009386, MONDO:0015356.
Birt-Hogg-Dube syndrome. Also called: Birt Hogg Dubé syndrome. Identifiers: Orphanet 122, MedGen C0346010, MONDO:0800444.

Allele frequency attached by ClinVar (database versions not stated): gnomAD exomes below 0.00001.
gnomAD v4.1: 2 of 1,612,834 alleles (0.00012%); highest among the groups gnomAD compares: Admixed American, 0.0033%; no homozygotes.

Submissions (2):

Labcorp Genetics (formerly Invitae), Labcorp
Classification: Uncertain significance for Birt-Hogg-Dube syndrome. Last evaluated: 2025-08-04. Review status: criteria provided, single submitter. Criteria: Invitae Variant Classification Sherloc (09022015). Collection method: clinical testing. Allele origin: germline.
Comment: This sequence change replaces phenylalanine, which is neutral and non-polar, with leucine, which is neutral and non-polar, at codon 152 of the FLCN protein (p.Phe152Leu). This variant is present in population databases (no rsID available, gnomAD 0.003%). This variant has not been reported in the literature in individuals affected with FLCN-related conditions. ClinVar contains an entry for this variant (Variation ID: 1478279). Invitae Evidence Modeling of protein sequence and biophysical properties (such as structural, functional, and spatial information, amino acid conservation, physicochemical variation, residue mobility, and thermodynamic stability) indicates that this missense variant is not expected to disrupt FLCN protein function with a negative predictive value of 80%. In summary, the available evidence is currently insufficient to determine the role of this variant in disease. Therefore, it has been classified as a Variant of Uncertain Significance.

Ambry Genetics
Classification: Uncertain significance for Hereditary cancer-predisposing syndrome. Last evaluated: 2025-04-11. Review status: criteria provided, single submitter. Criteria: Ambry Variant Classification Scheme 2023. Collection method: clinical testing. Allele origin: germline.
Comment: The p.F152L variant (also known as c.454T>C), located in coding exon 3 of the FLCN gene, results from a T to C substitution at nucleotide position 454. The phenylalanine at codon 152 is replaced by leucine, an amino acid with highly similar properties. This amino acid position is highly conserved in available vertebrate species. In addition, this alteration is predicted to be deleterious by in silico analysis. Since supporting evidence is limited at this time, the clinical significance of this alteration remains unclear.

NM_144997.7(FLCN):c.454T>C (p.Phe152Leu)

Gene: FLCN (folliculin; minus strand). Cytogenetic location: 17p11.2.
Variant type: single nucleotide variant.
Coding change: c.454T>C on transcript NM_144997.7 (MANE Select); coding-DNA position 454, T replaced by C.
Protein change: p.Phe152Leu; replaces phenylalanine 152 with leucine.
Molecular consequence: missense variant.
Genome position (GRCh38, 1-based): chr17:17,224,086, A>G on the plus strand (T>C on the coding strand, the complement: FLCN is on the minus strand). VCF-style: chr17-17224086-A-G. GRCh37 (hg19) VCF-style: chr17-17127400-A-G.
Other names: c.508T>C, p.Phe170Leu (NM_001353229.2); c.454T>C, p.Phe152Leu (NM_001353230.2, NM_001353231.2, NM_144606.7); short protein forms F152L, F170L.
Identifiers: ClinVar variation 1478279 (VCV001478279.11), dbSNP rs1425827318, ClinGen allele CA398534529.